The following is an entry in ClinVar:

NM_001329943.3(KIAA0586):c.998A>G (p.Lys333Arg)

Gene: KIAA0586 (KIAA0586; plus strand). Cytogenetic location: 14q23.1.
Variant type: single nucleotide variant.
Coding change: c.998A>G on transcript NM_001329943.3 (MANE Select); coding-DNA position 998, A replaced by G.
Protein change: p.Lys333Arg; replaces lysine 333 with arginine.
Molecular consequence: missense variant.
Genome position (GRCh38, 1-based): chr14:58,450,615, A>G. VCF-style: chr14-58450615-A-G. GRCh37 (hg19) VCF-style: chr14-58917333-A-G.
Other names: c.1157A>G, p.Lys386Arg (NM_001244189.2); c.953A>G, p.Lys318Arg (NM_001244190.2); c.743A>G, p.Lys248Arg (NM_001244191.2, NM_001329945.2, NM_001364700.1 and 1 more transcripts); c.866A>G, p.Lys289Arg (NM_001244192.2); c.578A>G, p.Lys193Arg (NM_001244193.2); c.998A>G, p.Lys333Arg (NM_001329944.2, NM_001329946.2, NM_001329947.2 and 1 more transcripts); short protein forms K193R, K248R, K289R, K318R, K333R, K386R.
Identifiers: ClinVar variation 3032036 (VCV003032036.2), dbSNP rs966015773, ClinGen allele CA261617845.

ClinVar aggregate classification (germline): Uncertain significance (0 of 4 stars; one submission).

Conditions:
KIAA0586-related disorder. Also called: KIAA0586-related condition; KIAA0586- Related disorders.

Allele frequency attached by ClinVar (database versions not stated): gnomAD 0.00001.
gnomAD v4.1: 1 of 1,610,424 alleles (0.000062%); highest among the groups gnomAD compares: South Asian, 0.0011%; no homozygotes.

Submission:

PreventionGenetics, part of Exact Sciences
Classification: Uncertain significance for KIAA0586-related condition. Last evaluated: 2024-01-21. Review status: no assertion criteria provided. Collection method: clinical testing. Allele origin: germline.
Comment: The KIAA0586 c.1157A>G variant is predicted to result in the amino acid substitution p.Lys386Arg. To our knowledge, this variant has not been reported in the literature or in a large population database, indicating this variant is rare. At this time, the clinical significance of this variant is uncertain due to the absence of conclusive functional and genetic evidence.